The following is an entry in ClinVar:

NM_001142730.3(KCTD1):c.374T>G (p.Met125Arg)

Gene: KCTD1 (potassium channel tetramerization domain containing 1; minus strand). Cytogenetic location: 18q11.2.
Variant type: single nucleotide variant.
Coding change: c.374T>G on transcript NM_001142730.3 (MANE Select); coding-DNA position 374, T replaced by G.
Protein change: p.Met125Arg; replaces methionine 125 with arginine.
Molecular consequence: missense variant. On other transcripts: intron variant (5).
Genome position (GRCh38, 1-based): chr18:26,548,163, A>C on the plus strand (T>G on the coding strand, the complement: KCTD1 is on the minus strand). VCF-style: chr18-26548163-A-C. GRCh37 (hg19) VCF-style: chr18-24128127-A-C.
Other names: c.10-46913T>G (NM_001258222.3); c.-15-46913T>G (NM_198991.4); c.-16+1566T>G (NM_001258221.2); c.-16+1081T>G (NM_001351443.1); c.-16+728T>G (NM_001136205.2); short protein forms M125R.
Identifiers: ClinVar variation 5002016 (VCV005002016.1).

ClinVar aggregate classification (germline): Uncertain significance (1 of 4 stars; one submission).

Conditions:
KCTD1-related disorder. Also called: KCTD1-related condition.

Submission:

PreventionGenetics, part of Exact Sciences
Classification: Uncertain significance for KCTD1-related condition. Last evaluated: 2024-10-16. Review status: criteria provided, single submitter. Criteria: ACMG Guidelines, 2015. Collection method: clinical testing. Allele origin: germline.
Comment: The KCTD1 c.374T>G variant is predicted to result in the amino acid substitution p.Met125Arg. Of note, using an alternate transcript (NM_001258221), this variant is c.-16+1566T>G located in the pre-coding region. To our knowledge, this variant has not been reported in the literature or in a large population database (gnomAD), indicating this variant is rare. At this time, the clinical significance of this variant is uncertain due to the absence of conclusive functional and genetic evidence.